The following is an entry in ClinVar:

ClinVar aggregate classification (germline): Pathogenic (1 of 4 stars; one submission).

Conditions:
Perlman syndrome (PRLMNS). Identifiers: Orphanet 2849, MedGen C0796113, MONDO:0009965, OMIM 267000.

Submission:

Labcorp Genetics (formerly Invitae), Labcorp
Classification: Pathogenic for Perlman syndrome. Last evaluated: 2019-10-26. Review status: criteria provided, single submitter. Criteria: Invitae Variant Classification Sherloc (09022015). Collection method: clinical testing. Allele origin: germline.
Comment: For these reasons, this variant has been classified as Pathogenic. Loss-of-function variants in DIS3L2 are known to be pathogenic (PMID: 22306653). This variant has not been reported in the literature in individuals with DIS3L2-related conditions. This variant is not present in population databases (ExAC no frequency). This sequence change creates a premature translational stop signal (p.Val195Leufs*4) in the DIS3L2 gene. It is expected to result in an absent or disrupted protein product.

Literature cited by the submitters: PubMed 22306653.

NM_152383.5(DIS3L2):c.580_581del (p.Val195fs)

Gene: DIS3L2 (DIS3 like 3'-5' exoribonuclease 2; plus strand). Cytogenetic location: 2q37.1.
Variant type: Microsatellite.
Coding change: c.580_581del on transcript NM_152383.5 (MANE Select); coding-DNA positions 580 to 581, 2 bases deleted (TC; older notation c.580_581delTC).
Protein change: p.Val195fs; shifts the reading frame from valine 195.
Molecular consequence: frameshift variant. On other transcripts: non-coding transcript variant (2).
Genome position (GRCh38, 1-based): chr2:232,087,700-232,087,701, TC deleted; deleting any 2 consecutive bases within chr2:232,087,697-232,087,701 gives the same sequence; the c. name uses the placement nearest the transcript's 3' end. VCF-style (leftmost placement, unchanged base first): chr2-232087696-ACT-A. GRCh37 (hg19) VCF-style: chr2-232952406-ACT-A.
Other names: c.580_581del, p.Val195fs (NM_001257281.2, NM_001257282.2); short protein forms V195fs.
Identifiers: ClinVar variation 953114 (VCV000953114.7), dbSNP rs1696706093, ClinGen allele CA1335107634.